The following is an entry in ClinVar:

ClinVar aggregate classification (germline): Conflicting classifications of pathogenicity. Review status: criteria provided, conflicting classifications (1 of 4 stars). 9 submissions from 9 submitters: Uncertain significance (1); Benign (1); Likely benign (7). Last evaluated 2026-01-26.

Conditions:
Hereditary cancer-predisposing syndrome. Also called: Tumor predisposition; Neoplastic Syndromes, Hereditary; Hereditary neoplastic syndrome; Hereditary Cancer Syndrome. Identifiers: Orphanet 140162, MedGen C0027672, MeSH D009386, MONDO:0015356.
Hereditary diffuse gastric adenocarcinoma (HDGC). Also called: DIFFUSE GASTRIC AND LOBULAR BREAST CANCER SYNDROME. Identifiers: Orphanet 26106, MedGen C1708349, MONDO:0007648, OMIM 137215.

Allele frequency attached by ClinVar (database versions not stated): gnomAD exomes below 0.00001; ExAC 0.00001.
gnomAD v4.1: 6 of 1,613,884 alleles (0.00037%); highest among the groups gnomAD compares: African/African-American, 0.004%; no homozygotes.

Submissions (9):

Labcorp Genetics (formerly Invitae), Labcorp
Classification: Likely benign for Hereditary diffuse gastric adenocarcinoma. Last evaluated: 2026-01-26. Review status: criteria provided, single submitter. Criteria: Invitae Variant Classification Sherloc (09022015). Collection method: clinical testing. Allele origin: germline.

Myriad Genetics, Inc.
Classification: Benign for Hereditary diffuse gastric adenocarcinoma. Last evaluated: 2024-09-24. Review status: criteria provided, single submitter. Criteria: Myriad Autosomal Dominant, Autosomal Recessive and X-Linked Classification Criteria (2023). Collection method: clinical testing. Allele origin: unknown.
Comment: This variant is considered benign. This variant is a silent/synonymous amino acid change and it is not expected to impact splicing.

Blueprint Genetics
Classification: Likely benign. Last evaluated: 2023-08-03. Review status: criteria provided, single submitter. Criteria: ACMG Guidelines, 2015. Collection method: clinical testing. Allele origin: germline.

European Reference Network on Genetic Tumour Risk Syndromes (ERN-GENTURIS), i3s - Instituto de Investigação e Inovação em Saúde, University of Porto
Classification: Uncertain significance for Hereditary diffuse gastric adenocarcinoma. Last evaluated: 2022-08-01. Review status: criteria provided, single submitter. Criteria: Lee et al. (Hum Mutat. 2018). Collection method: clinical testing. Allele origin: germline. Inheritance: Autosomal dominant inheritance. Affected: no. Study: ERN GENTURIS.
Comment: PM2; BP7 (PMID: 30311375)

Sema4
Classification: Likely benign for Hereditary cancer-predisposing syndrome. Last evaluated: 2021-02-23. Review status: criteria provided, single submitter. Criteria: Sema4 Curation Guidelines. Collection method: curation. Allele origin: germline.

GeneDx
Classification: Likely benign. Last evaluated: 2019-10-01. Review status: criteria provided, single submitter. Criteria: GeneDx Variant Classification Process June 2021. Collection method: clinical testing. Allele origin: germline. Affected: yes.
Comment: This variant is associated with the following publications: (PMID: 27149842)

Women's Health and Genetics/Laboratory Corporation of America, LabCorp
Classification: Likely benign. Last evaluated: 2019-08-28. Review status: criteria provided, single submitter. Criteria: LabCorp Variant Classification Summary - May 2015. Collection method: clinical testing. Allele origin: germline.

Color Diagnostics, LLC DBA Color Health
Classification: Likely benign for Hereditary cancer-predisposing syndrome. Last evaluated: 2017-03-13. Review status: criteria provided, single submitter. Criteria: ACMG Guidelines, 2015. Collection method: clinical testing. Allele origin: germline.

Ambry Genetics
Classification: Likely benign for Hereditary cancer-predisposing syndrome. Last evaluated: 2015-02-26. Review status: criteria provided, single submitter. Criteria: Ambry Variant Classification Scheme 2023. Collection method: clinical testing. Allele origin: germline.

Literature cited by the submitters: PubMed 36436516 (cited by European Reference Network on Genetic Tumour Risk Syndromes (ERN-GENTURIS), i3s - Instituto de Investigação e Inovação em Saúde, University of Porto).

NM_004360.5(CDH1):c.2628C>T (p.Tyr876=)

Gene: CDH1 (cadherin 1; plus strand). Cytogenetic location: 16q22.1.
Variant type: single nucleotide variant.
Coding change: c.2628C>T on transcript NM_004360.5 (MANE Select); coding-DNA position 2628, C replaced by T.
Protein change: p.Tyr876=; no amino-acid change (tyrosine 876 retained).
Molecular consequence: synonymous variant.
Genome position (GRCh38, 1-based): chr16:68,833,478, C>T. VCF-style: chr16-68833478-C-T. GRCh37 (hg19) VCF-style: chr16-68867381-C-T.
Other names: c.2628C>T (NM_004360.4, LRG_301t1); c.2445C>T, p.Tyr815= (NM_001317184.2); c.1080C>T, p.Tyr360= (NM_001317185.2); c.663C>T, p.Tyr221= (NM_001317186.2).
Identifiers: ClinVar variation 384323 (VCV000384323.24), dbSNP rs778681919, ClinGen allele CA8130316.